The following is an entry in ClinVar:

NM_130797.4(DPP6):c.1608C>T (p.Cys536=)

Gene: DPP6 (dipeptidyl peptidase like 6; plus strand). Cytogenetic location: 7q36.2.
Variant type: single nucleotide variant.
Coding change: c.1608C>T on transcript NM_130797.4 (MANE Select); coding-DNA position 1608, C replaced by T.
Protein change: p.Cys536=; no amino-acid change (cysteine 536 retained).
Molecular consequence: synonymous variant. On other transcripts: non-coding transcript variant (2).
Genome position (GRCh38, 1-based): chr7:154,807,054, C>T. VCF-style: chr7-154807054-C-T. GRCh37 (hg19) VCF-style: chr7-154598764-C-T.
Other names: c.1416C>T, p.Cys472= (NM_001039350.3); c.1287C>T, p.Cys429= (NM_001290252.2); c.1425C>T, p.Cys475= (NM_001364497.2, NM_001364498.2, NM_001364499.2 and 1 more transcripts); c.1422C>T, p.Cys474= (NM_001936.5).
Identifiers: ClinVar variation 3033347 (VCV003033347.2), dbSNP rs201253009, ClinGen allele CA4583617.

ClinVar aggregate classification (germline): Likely benign (0 of 4 stars; one submission).

Conditions:
DPP6-related disorder. Also called: DPP6-related condition.

Allele frequency attached by ClinVar (database versions not stated): gnomAD exomes 0.00009; gnomAD 0.00010; TOPMed 0.00010; ExAC 0.00012; ESP Exome Variant Server 0.00016.
gnomAD v4.1: 167 of 1,613,782 alleles (0.01%); highest among the groups gnomAD compares: Middle Eastern, 0.049%; 2 homozygotes.

Submission:

PreventionGenetics, part of Exact Sciences
Classification: Likely benign for DPP6-related condition. Last evaluated: 2019-06-12. Review status: no assertion criteria provided. Collection method: clinical testing. Allele origin: germline.
Comment: This variant is classified as likely benign based on ACMG/AMP sequence variant interpretation guidelines (Richards et al. 2015 PMID: 25741868, with internal and published modifications).